The following is an entry in ClinVar:

NM_152328.5(ADSS1):c.863C>T (p.Pro288Leu)

Gene: ADSS1 (adenylosuccinate synthase 1; plus strand). Cytogenetic location: 14q32.33.
Variant type: single nucleotide variant.
Coding change: c.863C>T on transcript NM_152328.5 (MANE Select); coding-DNA position 863, C replaced by T.
Protein change: p.Pro288Leu; replaces proline 288 with leucine.
Molecular consequence: missense variant.
Genome position (GRCh38, 1-based): chr14:104,741,917, C>T. VCF-style: chr14-104741917-C-T. GRCh37 (hg19) VCF-style: chr14-105208254-C-T.
Other names: c.248C>T, p.Pro83Leu (NM_001320424.1); c.992C>T, p.Pro331Leu (NM_199165.2); c.992C>T (NM_199165.1); short protein forms P288L, P331L, P83L.
Identifiers: ClinVar variation 2419284 (VCV002419284.5), dbSNP rs371777343, ClinGen allele CA7373903.

ClinVar aggregate classification (germline): Uncertain significance. Review status: criteria provided, multiple submitters, no conflicts (2 of 4 stars). 2 submissions from 2 submitters: Uncertain significance (2). Last evaluated 2025-08-21.

Conditions:
Inborn genetic diseases. Identifiers: MedGen C0950123, MeSH D030342.

Allele frequency attached by ClinVar (database versions not stated): ExAC 0.00003; TOPMed 0.00003; gnomAD 0.00004; ESP Exome Variant Server 0.00008.
gnomAD v4.1: 26 of 1,613,414 alleles (0.0016%); highest among the groups gnomAD compares: Non-Finnish European, 0.0018%; no homozygotes.

Submissions (2):

Ambry Genetics
Classification: Uncertain significance for Inborn genetic diseases. Last evaluated: 2025-08-21. Review status: criteria provided, single submitter. Criteria: Ambry Variant Classification Scheme 2023. Collection method: clinical testing. Allele origin: germline.

Labcorp Genetics (formerly Invitae), Labcorp
Classification: Uncertain significance. Last evaluated: 2024-11-11. Review status: criteria provided, single submitter. Criteria: Invitae Variant Classification Sherloc (09022015). Collection method: clinical testing. Allele origin: germline.
Comment: This sequence change replaces proline, which is neutral and non-polar, with leucine, which is neutral and non-polar, at codon 331 of the ADSSL1 protein (p.Pro331Leu). This variant is present in population databases (rs371777343, gnomAD 0.004%). This variant has not been reported in the literature in individuals affected with ADSSL1-related conditions. ClinVar contains an entry for this variant (Variation ID: 2419284). An algorithm developed to predict the effect of missense changes on protein structure and function (PolyPhen-2) suggests that this variant is likely to be disruptive. In summary, the available evidence is currently insufficient to determine the role of this variant in disease. Therefore, it has been classified as a Variant of Uncertain Significance.